The following is an entry in ClinVar:

ClinVar aggregate classification (germline): Uncertain significance (1 of 4 stars; one submission).

Submission:

GeneDx
Classification: Uncertain significance. Last evaluated: 2023-06-18. Review status: criteria provided, single submitter. Criteria: GeneDx Variant Classification Process June 2021. Collection method: clinical testing. Allele origin: germline. Affected: yes.
Comment: Not observed at significant frequency in large population cohorts (gnomAD); Canonical splice site variant in a gene for which loss-of-function is not an established mechanism of disease; Has not been previously published as pathogenic or benign to our knowledge

NM_017852.5(NLRP2):c.2202-2A>G

Gene: NLRP2 (NLR family pyrin domain containing 2; plus strand). Cytogenetic location: 19q13.42.
Variant type: single nucleotide variant.
Coding change: c.2202-2A>G on transcript NM_017852.5 (MANE Select); the canonical splice acceptor site of the intron before coding-DNA position 2202, A replaced by G.
Molecular consequence: splice acceptor variant.
Genome position (GRCh38, 1-based): chr19:54,986,149, A>G. VCF-style: chr19-54986149-A-G. GRCh37 (hg19) VCF-style: chr19-55497517-A-G.
Other names: c.2202-2A>G (NM_001174081.3); c.2193-2A>G (NM_001348003.2); c.2136-2A>G (NM_001174082.3); c.2133-2A>G (NM_001174083.2).
Identifiers: ClinVar variation 3360132 (VCV003360132.1).